The following is an entry in ClinVar:

NM_004656.4(BAP1):c.1938T>A (p.Tyr646Ter)

Gene: BAP1 (BRCA1 associated deubiquitinase 1; minus strand). Cytogenetic location: 3p21.1.
Variant type: single nucleotide variant.
Coding change: c.1938T>A on transcript NM_004656.4 (MANE Select); coding-DNA position 1938, T replaced by A.
Protein change: p.Tyr646Ter; replaces tyrosine 646 with a stop codon.
Molecular consequence: nonsense.
Genome position (GRCh38, 1-based): chr3:52,402,824, A>T on the plus strand (T>A on the coding strand, the complement: BAP1 is on the minus strand). VCF-style: chr3-52402824-A-T. GRCh37 (hg19) VCF-style: chr3-52436840-A-T.
Other names: short protein forms Y646*.
Identifiers: ClinVar variation 656678 (VCV000656678.18), dbSNP rs1578219056, ClinGen allele CA353096685.

ClinVar aggregate classification (germline): Pathogenic. Review status: criteria provided, multiple submitters, no conflicts (2 of 4 stars). 5 submissions from 5 submitters: Pathogenic (5). Last evaluated 2025-12-01.

Conditions:
Hereditary cancer-predisposing syndrome. Also called: Hereditary neoplastic syndrome; Tumor predisposition; Neoplastic Syndromes, Hereditary; Hereditary Cancer Syndrome. Identifiers: Orphanet 140162, MedGen C0027672, MeSH D009386, MONDO:0015356.
BAP1-related tumor predisposition syndrome (TPDS1). Also called: BAP1 tumor predisposition syndrome; Tumor susceptibility linked to germline BAP1 mutations; COMMON Syndrome; TUMOR PREDISPOSITION SYNDROME 1. Identifiers: Orphanet 289539, MedGen C3280492, MONDO:0013692, OMIM 614327.
Melanoma, uveal, susceptibility to, 2 (UVM2). Also called: Melanoma, uveal 2. Identifiers: Orphanet 39044, MedGen C1847723, MONDO:0011696, OMIM 606661.
Kury-Isidor syndrome (KURIS). Identifiers: MedGen C5676925, MONDO:0859230, OMIM 619762.

Submissions (5):

Labcorp Genetics (formerly Invitae), Labcorp
Classification: Pathogenic for BAP1-related tumor predisposition syndrome. Last evaluated: 2025-12-01. Review status: criteria provided, single submitter. Criteria: Invitae Variant Classification Sherloc (09022015). Collection method: clinical testing. Allele origin: germline.
Comment: This sequence change creates a premature translational stop signal (p.Tyr646*) in the BAP1 gene. It is expected to result in an absent or disrupted protein product. Loss-of-function variants in BAP1 are known to be pathogenic (PMID: 21874000, 23684012). This variant is not present in population databases (gnomAD no frequency). This premature translational stop signal has been observed in individual(s) with mesothelioma, and uveal melanoma (PMID: 26409435, 26683624, 27718540). It has also been observed to segregate with disease in related individuals. ClinVar contains an entry for this variant (Variation ID: 656678). For these reasons, this variant has been classified as Pathogenic.

Fulgent Genetics
Classification: Pathogenic for Melanoma, uveal, susceptibility to, 2; BAP1-related tumor predisposition syndrome; Kury-Isidor syndrome. Last evaluated: 2024-06-04. Review status: criteria provided, single submitter. Criteria: ACMG Guidelines, 2015. Collection method: clinical testing. Allele origin: germline.

Myriad Genetics, Inc.
Classification: Pathogenic for BAP1-related tumor predisposition syndrome. Last evaluated: 2023-05-17. Review status: criteria provided, single submitter. Criteria: Myriad Autosomal Dominant, Autosomal Recessive and X-Linked Classification Criteria (2023). Collection method: clinical testing. Allele origin: unknown.
Comment: This variant is considered pathogenic. This variant creates a termination codon and is predicted to result in premature protein truncation.

Ambry Genetics
Classification: Pathogenic for Hereditary cancer-predisposing syndrome. Last evaluated: 2022-09-12. Review status: criteria provided, single submitter. Criteria: Ambry Variant Classification Scheme 2023. Collection method: clinical testing. Allele origin: germline.
Comment: The p.Y646* pathogenic mutation (also known as c.1938T>A), located in coding exon 15 of the BAP1 gene, results from a T to A substitution at nucleotide position 1938. This changes the amino acid from a tyrosine to a stop codon within coding exon 15. This alteration was identified and segregated with disease in a family with multiple mesotheliomas, cutaneous melanomas, basal cell carcinomas, and meningiomas (Cheung M et al. Cancer Lett. 2015 Dec;369:261-5). This alteration was also identified once in a cohort of 22 individuals with mesothelioma (Carbone M et al. PLoS Genet. 2015 Dec;11:e1005633) and once in a cohort of 32 individuals with familial uveal melanoma (Rai K et al. Genes Chromosomes Cancer. 2017 02;56:168-174). In addition to the clinical data presented in the literature, this alteration is expected to result in loss of function by premature protein truncation or nonsense-mediated mRNA decay. As such, this alteration is interpreted as a disease-causing mutation.

Color Diagnostics, LLC DBA Color Health
Classification: Pathogenic for Hereditary cancer-predisposing syndrome. Last evaluated: 2020-04-07. Review status: criteria provided, single submitter. Criteria: ACMG Guidelines, 2015. Collection method: clinical testing. Allele origin: germline.
Comment: This variant changes 1 nucleotide in exon 15 of the BAP1 gene, creating a premature translation stop signal. This variant is expected to result in an absent or non-functional protein product. This variant has been reported in individuals affected with peritoneal mesothelioma (PMID: 26683624) and familial uveal melanoma (PMID: 27718540). This variant has been shown to segregate with disease in a family affected with multiple mesotheliomas, cutaneous melanomas, basal cell carcinomas, and meningiomas (PMID: 26409435). This variant has not been identified in the general population by the Genome Aggregation Database (gnomAD). Loss of BAP1 function is a known mechanism of disease. Based on the available evidence, this variant is classified as Pathogenic.

Literature cited by the submitters: PubMed 21874000 (cited by Labcorp Genetics (formerly Invitae), Labcorp); PubMed 23684012 (cited by Labcorp Genetics (formerly Invitae), Labcorp); PubMed 26409435 (cited by Labcorp Genetics (formerly Invitae), Labcorp and Ambry Genetics); PubMed 26683624 (cited by Labcorp Genetics (formerly Invitae), Labcorp and Ambry Genetics); PubMed 27718540 (cited by Labcorp Genetics (formerly Invitae), Labcorp and Ambry Genetics).